The following is an entry in ClinVar:

ClinVar aggregate classification (germline): Uncertain significance. Review status: criteria provided, multiple submitters, no conflicts (2 of 4 stars). 2 submissions from 2 submitters: Uncertain significance (2). Last evaluated 2025-09-04.

Conditions:
Inborn genetic diseases. Identifiers: MedGen C0950123, MeSH D030342.

gnomAD v4.1: 1 of 1,614,154 alleles (0.000062%); highest among the groups gnomAD compares: Admixed American, 0.0017%; no homozygotes.

Submissions (2):

Ambry Genetics
Classification: Uncertain significance for Inborn genetic diseases. Last evaluated: 2025-09-04. Review status: criteria provided, single submitter. Criteria: Ambry Variant Classification Scheme 2023. Collection method: clinical testing. Allele origin: germline.

GeneDx
Classification: Uncertain significance. Last evaluated: 2024-10-02. Review status: criteria provided, single submitter. Criteria: GeneDx Variant Classification Process June 2021. Collection method: clinical testing. Allele origin: germline. Affected: yes.
Comment: Not observed at significant frequency in large population cohorts (gnomAD); In silico analysis supports that this missense variant has a deleterious effect on protein structure/function; Has not been previously published as pathogenic or benign to our knowledge; This variant is associated with the following publications: (PMID: 30986427)

NM_001235.5(SERPINH1):c.775C>A (p.Pro259Thr)

Gene: SERPINH1 (serpin family H member 1; plus strand). Cytogenetic location: 11q13.5.
Variant type: single nucleotide variant.
Coding change: c.775C>A on transcript NM_001235.5 (MANE Select); coding-DNA position 775, C replaced by A.
Protein change: p.Pro259Thr; replaces proline 259 with threonine.
Molecular consequence: missense variant.
Genome position (GRCh38, 1-based): chr11:75,568,992, C>A. VCF-style: chr11-75568992-C-A. GRCh37 (hg19) VCF-style: chr11-75280037-C-A.
Other names: c.775C>A, p.Pro259Thr (NM_001207014.3); short protein forms P259T.
Identifiers: ClinVar variation 3776655 (VCV003776655.2).
Genomic context (GRCh38, chr11:75,568,992, plus strand): 5'-CTCCCAGGCCTCTACAACTACTACGACGACGAGAAGGAAAAGCTGCAAATCGTGGAGATG[C>A]CCCTGGCCCACAAGCTCTCCAGCCTCATCATCCTCATGCCCCATCACGTGGAGCCTCTCG-3'
Protein context (NP_001226.2, residues 249-269): EKEKLQIVEM[Pro259Thr]LAHKLSSLII